The following is an entry in ClinVar:

ClinVar aggregate classification (germline): Uncertain significance (1 of 4 stars; one submission).

Conditions:
Peroxisome biogenesis disorder 3A (Zellweger). Also called: PEROXISOMAL BIOGENESIS DISORDER 3A (ZELLWEGER); Peroxisome biogenesis disorder 3A. Identifiers: Orphanet 912, MedGen C3553929, MONDO:0013927, OMIM 614859.

Submission:

Labcorp Genetics (formerly Invitae), Labcorp
Classification: Uncertain significance for Peroxisome biogenesis disorder 3A (Zellweger). Last evaluated: 2021-04-05. Review status: criteria provided, single submitter. Criteria: Invitae Variant Classification Sherloc (09022015). Collection method: clinical testing. Allele origin: germline.
Comment: In summary, the available evidence is currently insufficient to determine the role of this variant in disease. Therefore, it has been classified as a Variant of Uncertain Significance. Algorithms developed to predict the effect of missense changes on protein structure and function are either unavailable or do not agree on the potential impact of this missense change (SIFT: "Tolerated"; PolyPhen-2: "Probably Damaging"; Align-GVGD: "Class C0"). This variant has not been reported in the literature in individuals with PEX12-related conditions. This variant is not present in population databases (ExAC no frequency). This sequence change replaces arginine with threonine at codon 91 of the PEX12 protein (p.Arg91Thr). The arginine residue is highly conserved and there is a moderate physicochemical difference between arginine and threonine.

NM_000286.3(PEX12):c.272G>C (p.Arg91Thr)

Gene: PEX12 (peroxisomal biogenesis factor 12; minus strand). Cytogenetic location: 17q12.
Variant type: single nucleotide variant.
Coding change: c.272G>C on transcript NM_000286.3 (MANE Select); coding-DNA position 272, G replaced by C.
Protein change: p.Arg91Thr; replaces arginine 91 with threonine.
Molecular consequence: missense variant.
Genome position (GRCh38, 1-based): chr17:35,577,446, C>G on the plus strand (G>C on the coding strand, the complement: PEX12 is on the minus strand). VCF-style: chr17-35577446-C-G. GRCh37 (hg19) VCF-style: chr17-33904465-C-G.
Other names: short protein forms R91T.
Identifiers: ClinVar variation 1523462 (VCV001523462.7), dbSNP rs2142231028, ClinGen allele CA399138488.
Genomic context (GRCh38, chr17:35,577,446, plus strand): 5'-TGCTTTGGGAGACCAGCACTAGCCAATCTCTGAGACTTGTGAGTGTCCCCCATTACAATT[C>G]TCTTTAAGCCGTAAAAGTTTTCAGAAAATGAGGCACTGGTTCTAGACAGATAATGTTGCT-3'
Protein context (NP_000277.1, residues 81-101): SFSENFYGLK[Arg91Thr]IVMGDTHKSQ